The following is an entry in ClinVar:

ClinVar aggregate classification (germline): Conflicting classifications of pathogenicity. Review status: criteria provided, conflicting classifications (1 of 4 stars). 3 submissions from 3 submitters: Uncertain significance (2); Likely benign (1). Last evaluated 2025-12-23.

Allele frequency attached by ClinVar (database versions not stated): TOPMed below 0.00001; ExAC 0.00001; gnomAD 0.00001; gnomAD exomes 0.00001.
gnomAD v4.1: 24 of 1,613,564 alleles (0.0015%); highest among the groups gnomAD compares: South Asian, 0.0033%; no homozygotes.

Submissions (3):

Labcorp Genetics (formerly Invitae), Labcorp
Classification: Likely benign. Last evaluated: 2025-12-23. Review status: criteria provided, single submitter. Criteria: Invitae Variant Classification Sherloc (09022015). Collection method: clinical testing. Allele origin: germline.

Blueprint Genetics
Classification: Uncertain significance. Last evaluated: 2022-02-24. Review status: criteria provided, single submitter. Criteria: ACMG Guidelines, 2015. Collection method: clinical testing. Allele origin: germline.

Laboratory for Molecular Medicine, Mass General Brigham Personalized Medicine
Classification: Uncertain significance. Last evaluated: 2018-09-21. Review status: criteria provided, single submitter. Criteria: LMM Criteria. Collection method: clinical testing. Allele origin: germline. Observed: 1 variant allele.
Comment: The p.Thr1591Ala variant in ADGRV1 has not been previously reported in individua ls with hearing los or Usher syndrome, but has been identified in 0.002% (3/1115 74 ) of European chromosomes by the Genome Aggregation Database (gnomAD). Computational prediction tools and conservation anal yses do not provide strong support for or against an impact to the protein. In s ummary, the clinical significance of the p.Thr1591Ala variant is uncertain. ACM G/AMP Criteria applied: PM2.

NM_032119.4(ADGRV1):c.4771A>G (p.Thr1591Ala)

Gene: ADGRV1 (adhesion G protein-coupled receptor V1; plus strand). Cytogenetic location: 5q14.3.
Variant type: single nucleotide variant.
Coding change: c.4771A>G on transcript NM_032119.4 (MANE Select); coding-DNA position 4771, A replaced by G.
Protein change: p.Thr1591Ala; replaces threonine 1591 with alanine.
Molecular consequence: missense variant. On other transcripts: non-coding transcript variant (1).
Genome position (GRCh38, 1-based): chr5:90,672,564, A>G. VCF-style: chr5-90672564-A-G. GRCh37 (hg19) VCF-style: chr5-89968381-A-G.
Other names: short protein forms T1591A.
Identifiers: ClinVar variation 667189 (VCV000667189.13), dbSNP rs775471701, ClinGen allele CA3339412.